The following is an entry in ClinVar:

NM_001497.4(B4GALT1):c.517G>A (p.Val173Ile)

Gene: B4GALT1 (beta-1,4-galactosyltransferase 1; minus strand). Cytogenetic location: 9p21.1.
Variant type: single nucleotide variant.
Coding change: c.517G>A on transcript NM_001497.4 (MANE Select); coding-DNA position 517, G replaced by A.
Protein change: p.Val173Ile; replaces valine 173 with isoleucine.
Molecular consequence: missense variant.
Genome position (GRCh38, 1-based): chr9:33,135,320, C>T on the plus strand (G>A on the coding strand, the complement: B4GALT1 is on the minus strand). VCF-style: chr9-33135320-C-T. GRCh37 (hg19) VCF-style: chr9-33135318-C-T.
Other names: c.478G>A, p.Val160Ile (NM_001378495.1); c.517G>A, p.Val173Ile (NM_001378496.1, NM_001378497.1); short protein forms V173I, V160I.
Identifiers: ClinVar variation 93778 (VCV000093778.7), dbSNP rs145978864, ClinGen allele CA221733.

ClinVar aggregate classification (germline): Uncertain significance. Review status: criteria provided, multiple submitters, no conflicts (2 of 4 stars). 2 submissions from 2 submitters: Uncertain significance (2). Last evaluated 2023-10-28.

Allele frequency attached by ClinVar (database versions not stated): gnomAD exomes 0.00007 and 0.00003; gnomAD 0.00021 and 0.00023; ESP Exome Variant Server 0.00023; TOPMed 0.00025; ExAC 0.00006.
gnomAD v4.1: 88 of 1,614,052 alleles (0.0055%); highest among the groups gnomAD compares: African/African-American, 0.072%; no homozygotes.

Submissions (2):

Labcorp Genetics (formerly Invitae), Labcorp
Classification: Uncertain significance. Last evaluated: 2023-10-28. Review status: criteria provided, single submitter. Criteria: Invitae Variant Classification Sherloc (09022015). Collection method: clinical testing. Allele origin: germline.
Comment: This sequence change replaces valine, which is neutral and non-polar, with isoleucine, which is neutral and non-polar, at codon 173 of the B4GALT1 protein (p.Val173Ile). This variant is present in population databases (rs145978864, gnomAD 0.06%). This variant has not been reported in the literature in individuals affected with B4GALT1-related conditions. ClinVar contains an entry for this variant (Variation ID: 93778). Advanced modeling of protein sequence and biophysical properties (such as structural, functional, and spatial information, amino acid conservation, physicochemical variation, residue mobility, and thermodynamic stability) performed at Invitae indicates that this missense variant is not expected to disrupt B4GALT1 protein function with a negative predictive value of 80%. In summary, the available evidence is currently insufficient to determine the role of this variant in disease. Therefore, it has been classified as a Variant of Uncertain Significance.

Eurofins Ntd Llc (ga)
Classification: Uncertain significance. Last evaluated: 2012-10-09. Review status: criteria provided, single submitter. Criteria: EGL Classification Definitions 2015. Collection method: clinical testing. Allele origin: germline. Observed: 1 variant allele, 1 heterozygote.